The following is an entry in ClinVar:

ClinVar aggregate classification (germline): Benign. Review status: criteria provided, multiple submitters, no conflicts (2 of 4 stars). 2 submissions from 2 submitters: Benign (2). Last evaluated 2018-01-13.

Conditions:
Hyperglycinuria. Also called: GLYCINURIA WITH OR WITHOUT OXALATE NEPHROLITHIASIS; GLYCINURIA WITH OR WITHOUT OXALATE UROLITHIASIS; IMINOGLYCINURIA TYPE II. Identifiers: MedGen C0543541, MONDO:0007677, OMIM 138500, HP:0003108.

Allele frequency attached by ClinVar (database versions not stated): 1000 Genomes Project 0.04692; 1000 Genomes Project 30x 0.04841; TOPMed 0.08172; gnomAD 0.08551 and 0.08622; gnomAD exomes 0.08705 and 0.11948; ExAC 0.10000.
gnomAD v4.1: 146,299 of 1,272,180 alleles (11%); highest among the groups gnomAD compares: Non-Finnish European, 13%; 9,245 homozygotes.

Submissions (2):

Illumina Laboratory Services, Illumina
Classification: Benign for Hyperglycinuria. Last evaluated: 2018-01-13. Review status: criteria provided, single submitter. Criteria: ICSL Variant Classification Criteria 13 December 2019. Collection method: clinical testing. Allele origin: germline.
Comment: This variant was observed in the ICSL laboratory as part of a predisposition screen in an ostensibly healthy population. It had not been previously curated by ICSL or reported in the Human Gene Mutation Database (HGMD: prior to June 1st, 2018), and was therefore a candidate for classification through an automated scoring system. Utilizing variant allele frequency, disease prevalence and penetrance estimates, and inheritance mode, an automated score was calculated to assess if this variant is too frequent to cause the disease. Based on the score and internal cut-off values, a variant classified as benign is not then subjected to further curation. The score for this variant resulted in a classification of benign for this disease.

Breakthrough Genomics
Classification: Benign. Review status: criteria provided, single submitter. Criteria: ACMG Guidelines, 2015. Collection method: not provided. Allele origin: germline. Inheritance: Autosomal recessive inheritance. Affected: yes.

NM_020208.4(SLC6A20):c.*537T>C

Gene: SLC6A20 (solute carrier family 6 member 20; minus strand). Cytogenetic location: 3p21.31.
Variant type: single nucleotide variant.
Coding change: c.*537T>C on transcript NM_020208.4 (MANE Select); 537 bases downstream of the stop codon, T replaced by C.
Molecular consequence: 3 prime UTR variant.
Genome position (GRCh38, 1-based): chr3:45,758,441, A>G on the plus strand (T>C on the coding strand, the complement: SLC6A20 is on the minus strand). VCF-style: chr3-45758441-A-G. GRCh37 (hg19) VCF-style: chr3-45799933-A-G.
Other names: c.*537T>C (NM_022405.4).
Identifiers: ClinVar variation 345390 (VCV000345390.6), dbSNP rs73060335, ClinGen allele CA2351172.